The following is an entry in ClinVar:

NM_001134363.3(RBM20):c.299T>G (p.Leu100Arg)

Gene: RBM20 (RNA binding motif protein 20; plus strand). Cytogenetic location: 10q25.2.
Variant type: single nucleotide variant.
Coding change: c.299T>G on transcript NM_001134363.3 (MANE Select); coding-DNA position 299, T replaced by G.
Protein change: p.Leu100Arg; replaces leucine 100 with arginine.
Molecular consequence: missense variant.
Genome position (GRCh38, 1-based): chr10:110,780,908, T>G. VCF-style: chr10-110780908-T-G. GRCh37 (hg19) VCF-style: chr10-112540666-T-G.
Other names: c.299T>G (NM_001134363.1); short protein forms L100R.
Identifiers: ClinVar variation 411662 (VCV000411662.9), dbSNP rs1060503417, ClinGen allele CA16612836.
Genomic context (GRCh38, chr10:110,780,908, plus strand): 5'-ACCCTCTGCTTCCTTCACCTGCCAGTCTCCAGCTGGCTCAACTGCAGGCCCAGCTCACCC[T>G]CCACCGGCTGAAGCTGGCACAGACAGCTGTCACCAACAACACTGCAGCCGCCACAGTCCT-3'
Protein context (NP_001127835.2, residues 90-110): QLAQLQAQLT[Leu100Arg]HRLKLAQTAV

ClinVar aggregate classification (germline): Uncertain significance. Review status: criteria provided, multiple submitters, no conflicts (2 of 4 stars). 2 submissions from 2 submitters: Uncertain significance (2). Last evaluated 2024-03-10.

Conditions:
Cardiovascular phenotype. Identifiers: MedGen CN230736.
Dilated cardiomyopathy 1DD (CMD1DD). Identifiers: Orphanet 154, MedGen C2750995, MONDO:0013168, OMIM 613172.

Allele frequency attached by ClinVar (database versions not stated): gnomAD exomes 0.00001.
gnomAD v4.1: 16 of 1,551,530 alleles (0.001%); highest among the groups gnomAD compares: Non-Finnish European, 0.0014%; no homozygotes.

Submissions (2):

Ambry Genetics
Classification: Uncertain significance for Cardiovascular phenotype. Last evaluated: 2024-03-10. Review status: criteria provided, single submitter. Criteria: Ambry Variant Classification Scheme 2023. Collection method: clinical testing. Allele origin: germline.
Comment: The p.L100R variant (also known as c.299T>G), located in coding exon 2 of the RBM20 gene, results from a T to G substitution at nucleotide position 299. The leucine at codon 100 is replaced by arginine, an amino acid with dissimilar properties. This amino acid position is conserved. In addition, this alteration is predicted to be deleterious by in silico analysis. Based on the available evidence, the clinical significance of this alteration remains unclear.

Labcorp Genetics (formerly Invitae), Labcorp
Classification: Uncertain significance for Dilated cardiomyopathy 1DD. Last evaluated: 2021-04-14. Review status: criteria provided, single submitter. Criteria: Invitae Variant Classification Sherloc (09022015). Collection method: clinical testing. Allele origin: germline.
Comment: In summary, this variant is a novel missense change with uncertain impact on protein function. It has been classified as a Variant of Uncertain Significance. Algorithms developed to predict the effect of missense changes on protein structure and function do not agree on the potential impact of this missense change (SIFT: "Not Scored"; PolyPhen-2: "Probably Damaging"; Align-GVGD: "Class C0"). This variant is not present in population databases (ExAC no frequency) and has not been reported in the literature in individuals with a RBM20-related disease. This sequence change replaces leucine with arginine at codon 100 of the RBM20 protein (p.Leu100Arg). The leucine residue is weakly conserved and there is a moderate physicochemical difference between leucine and arginine.